The following continues an entry in ClinVar:

NM_000051.4(ATM):c.2289T>A (p.Phe763Leu)

Gene: ATM. ClinVar aggregate classification (germline): Conflicting classifications of pathogenicity. Uncertain significance (4); Benign (4); Likely benign (14).

Submissions 21 to 29 of 29:

Fulgent Genetics
Classification: Uncertain significance for Familial cancer of breast; Ataxia-telangiectasia syndrome. Last evaluated: 2017-05-23. Review status: criteria provided, single submitter. Criteria: ACMG Guidelines, 2015. Collection method: clinical testing. Allele origin: unknown.

Illumina Laboratory Services, Illumina
Classification: Uncertain significance for Ataxia-telangiectasia syndrome. Last evaluated: 2017-04-27. Review status: criteria provided, single submitter. Criteria: ICSL Variant Classification Criteria 13 December 2019. Collection method: clinical testing. Allele origin: germline.

Institute for Biomarker Research, Medical Diagnostic Laboratories, L.L.C.
Classification: Uncertain significance for Hereditary cancer-predisposing syndrome. Last evaluated: 2021-10-27. Review status: no assertion criteria provided. Collection method: clinical testing. Allele origin: germline. Not counted in ClinVar's aggregate classification.

Natera, Inc.
Classification: Likely benign for Ataxia-telangiectasia. Last evaluated: 2020-04-03. Review status: no assertion criteria provided. Collection method: clinical testing. Allele origin: germline. Not counted in ClinVar's aggregate classification.

Clinical Genetics Laboratory, Department of Pathology, Netherlands Cancer Institute
Classification: Likely benign. Review status: no assertion criteria provided. Collection method: clinical testing. Allele origin: germline. Affected: yes. Study: VKGL Data-share Consensus. Not counted in ClinVar's aggregate classification.

Department of Pathology and Laboratory Medicine, Sinai Health System
Classification: Likely benign for Familial ovarian cancer. Review status: no assertion criteria provided. Collection method: clinical testing. Allele origin: unknown. Affected: yes. Study: The Canadian Open Genetics Repository (COGR). Not counted in ClinVar's aggregate classification.
Comment: The ATM p.Phe763Leu variant was identified in 10 of 8114 proband chromosomes (frequency: 0.0012) from individuals or families with breast cancer, Hodgkinâ€šÃ„Ã´s Disease and individuals testing for Lynch Syndrome; the variant was present in 7 of 5394 control chromosomes (frequency: 0.012) from healthy individuals (Sommer_2002_11996792, Offit_2002_12473594, Hirsch_2008_17333338, Paglia_2010_19404735, Tavtigian-2009_19781682, Yurgelun_2015_22529920). The variant was also identified in dbSNP (ID: rs34231402) as â€šÃ„ÃºWith Uncertain significance alleleâ€šÃ„Ã¹, ClinVar (2x as uncertain significance by GeneDx and Flugent Genetics, 1x as likely benign by Ambry Genetics, 1x as benign by Invitae), Clinvitae (3x as likely benign and uncertain significance) databases. The variant was not identified in Cosmic, MutDB and LOVD 3.0, databases. The variant was identified in control databases in 186 of 277044 chromosomes (1 homozygous) at a frequency of 0.0007 increasing the likelihood this could be a low frequency benign variant (Genome Aggregation Database Feb 27, 2017). Breakdown of the observations by population include African in 42 of 24034 chromosomes (freq: 0.0012), Other in 14 of 6462 chromosomes (freq: 0.002), Latino in 63 of 34418 chromosomes (freq: 0.002), European Non-Finnish in 54 of 126666 chromosomes (freq: 0.0004), Ashkenazi Jewish in 13 of 10152 chromosomes (freq: 0.0013), while the variant was not observed in the East Asian, European Finnish, and South Asian populations. The p.Phe763Leu residue is conserved in in mammals but not in more distantly related organisms however computational analyses (PolyPhen-2, SIFT, AlignGVGD, BLOSUM, MutationTaster) do not suggest a high likelihood of impact to the protein; this information is not predictive enough to rule out pathogenicity. The variant occurs outside of the splicing consensus sequence and in silico or computational prediction software programs (SpliceSiteFinder, MaxEntScan, NNSPLICE, GeneSplicer, HumanSpliceFinder) do not predict a difference in splicing. In summary, based on the above information the clinical significance of this variant cannot be determined with certainty at this time although we would lean towards a more benign role for this variant. This variant is classified as likely benign.

Genome Diagnostics Laboratory, Amsterdam University Medical Center
Classification: Likely benign. Review status: no assertion criteria provided. Collection method: clinical testing. Allele origin: germline. Affected: yes. Study: VKGL Data-share Consensus. Not counted in ClinVar's aggregate classification.

Joint Genome Diagnostic Labs from Nijmegen and Maastricht, Radboudumc and MUMC+
Classification: Likely benign. Review status: no assertion criteria provided. Collection method: clinical testing. Allele origin: germline. Affected: yes. Study: VKGL Data-share Consensus. Not counted in ClinVar's aggregate classification.

Laboratory of Diagnostic Genome Analysis, Leiden University Medical Center (LUMC)
Classification: Likely benign. Review status: no assertion criteria provided. Collection method: clinical testing. Allele origin: germline. Affected: yes. Study: VKGL Data-share Consensus. Not counted in ClinVar's aggregate classification.

Literature cited by the submitters: PubMed 27878467 (cited by 3 submitters); PubMed 12935922 (cited by Athena Diagnostics and Quest Diagnostics Nichols Institute San Juan Capistrano); PubMed 20305132 (cited by 3 submitters); PubMed 19781682 (cited by 3 submitters); PubMed 25980754 (cited by Athena Diagnostics and Quest Diagnostics Nichols Institute San Juan Capistrano); PubMed 30256826 (cited by 4 submitters); PubMed 27913932 (cited by 4 submitters); PubMed 31159747 (cited by 4 submitters); PubMed 12473594 (cited by 3 submitters); PubMed 19404735 (cited by 4 submitters); PubMed 12917204 (cited by 3 submitters); PubMed 17333338 (cited by 3 submitters); PubMed 11996792 (cited by Athena Diagnostics and Quest Diagnostics Nichols Institute San Juan Capistrano); PubMed 25318351 (cited by Athena Diagnostics and Quest Diagnostics Nichols Institute San Juan Capistrano); PubMed 33206719 (cited by Athena Diagnostics and Quest Diagnostics Nichols Institute San Juan Capistrano); PubMed 32866190 (cited by Athena Diagnostics and Quest Diagnostics Nichols Institute San Juan Capistrano); PubMed 33436325 (cited by Athena Diagnostics and Women's Health and Genetics/Laboratory Corporation of America, LabCorp); PubMed 30306255 (cited by Athena Diagnostics and Women's Health and Genetics/Laboratory Corporation of America, LabCorp); PubMed 26155992 (cited by Athena Diagnostics and Women's Health and Genetics/Laboratory Corporation of America, LabCorp); PubMed 25085752 (cited by Myriad Genetics, Inc.); PubMed 22529920 (cited by Women's Health and Genetics/Laboratory Corporation of America, LabCorp); PubMed 12673797 (cited by Women's Health and Genetics/Laboratory Corporation of America, LabCorp).